The following is an entry in ClinVar:

NM_001903.5(CTNNA1):c.233A>C (p.Lys78Thr)

Gene: CTNNA1 (catenin alpha 1; plus strand). Cytogenetic location: 5q31.2.
Variant type: single nucleotide variant.
Coding change: c.233A>C on transcript NM_001903.5 (MANE Select); coding-DNA position 233, A replaced by C.
Protein change: p.Lys78Thr; replaces lysine 78 with threonine.
Molecular consequence: missense variant. On other transcripts: intron variant (2).
Genome position (GRCh38, 1-based): chr5:138,783,304, A>C. VCF-style: chr5-138783304-A-C. GRCh37 (hg19) VCF-style: chr5-138118993-A-C.
Other names: c.233A>C, p.Lys78Thr (NM_001323986.2, NM_001290307.3, NM_001323982.2 and 3 more transcripts); c.-6+32A>C (NM_001290310.3); c.-9+1275A>C (NM_001290309.3); short protein forms K78T.
Identifiers: ClinVar variation 821118 (VCV000821118.12), dbSNP rs1580984502, ClinGen allele CA361477549.

ClinVar aggregate classification (germline): Uncertain significance. Review status: criteria provided, multiple submitters, no conflicts (2 of 4 stars). 2 submissions from 2 submitters: Uncertain significance (2). Last evaluated 2025-08-20.

Conditions:
Hereditary cancer-predisposing syndrome. Also called: Neoplastic Syndromes, Hereditary; Tumor predisposition; Hereditary Cancer Syndrome; Hereditary neoplastic syndrome. Identifiers: Orphanet 140162, MedGen C0027672, MeSH D009386, MONDO:0015356.

Allele frequency attached by ClinVar (database versions not stated): gnomAD exomes below 0.00001.
gnomAD v4.1: 2 of 1,614,136 alleles (0.00012%); highest among the groups gnomAD compares: Non-Finnish European, 0.00017%; no homozygotes.

Submissions (2):

Ambry Genetics
Classification: Uncertain significance for Hereditary cancer-predisposing syndrome. Last evaluated: 2025-08-20. Review status: criteria provided, single submitter. Criteria: Ambry Variant Classification Scheme 2023. Collection method: clinical testing. Allele origin: germline.
Comment: The p.K78T variant (also known as c.233A>C), located in coding exon 2 of the CTNNA1 gene, results from an A to C substitution at nucleotide position 233. The lysine at codon 78 is replaced by threonine, an amino acid with similar properties. This amino acid position is well conserved in available vertebrate species. In addition, the in silico prediction for this alteration is inconclusive. Since supporting evidence is limited at this time, the clinical significance of this alteration remains unclear.

Labcorp Genetics (formerly Invitae), Labcorp
Classification: Uncertain significance. Last evaluated: 2024-07-09. Review status: criteria provided, single submitter. Criteria: Invitae Variant Classification Sherloc (09022015). Collection method: clinical testing. Allele origin: germline.
Comment: This sequence change replaces lysine, which is basic and polar, with threonine, which is neutral and polar, at codon 78 of the CTNNA1 protein (p.Lys78Thr). This variant is not present in population databases (gnomAD no frequency). This variant has not been reported in the literature in individuals affected with CTNNA1-related conditions. ClinVar contains an entry for this variant (Variation ID: 821118). Advanced modeling of protein sequence and biophysical properties (such as structural, functional, and spatial information, amino acid conservation, physicochemical variation, residue mobility, and thermodynamic stability) performed at Invitae indicates that this missense variant is not expected to disrupt CTNNA1 protein function with a negative predictive value of 80%. In summary, the available evidence is currently insufficient to determine the role of this variant in disease. Therefore, it has been classified as a Variant of Uncertain Significance.